The following is an entry in ClinVar:

ClinVar aggregate classification (germline): Uncertain significance (1 of 4 stars; one submission).

Conditions:
Giant axonal neuropathy 1 (GAN1). Also called: GAN-Related Neurodegeneration; GIANT AXONAL NEUROPATHY 1, AUTOSOMAL RECESSIVE. Identifiers: Orphanet 643, MedGen C1850386, MONDO:0009749, OMIM 256850.

Submission:

Labcorp Genetics (formerly Invitae), Labcorp
Classification: Uncertain significance for Giant axonal neuropathy 1. Last evaluated: 2024-10-12. Review status: criteria provided, single submitter. Criteria: Invitae Variant Classification Sherloc (09022015). Collection method: clinical testing. Allele origin: germline.
Comment: This sequence change falls in intron 1 of the GAN gene. It does not directly change the encoded amino acid sequence of the GAN protein. It affects a nucleotide within the consensus splice site. This variant is not present in population databases (gnomAD no frequency). This variant has not been reported in the literature in individuals affected with GAN-related conditions. Variants that disrupt the consensus splice site are a relatively common cause of aberrant splicing (PMID: 17576681, 9536098). Algorithms developed to predict the effect of sequence changes on RNA splicing suggest that this variant may disrupt the consensus splice site. In summary, the available evidence is currently insufficient to determine the role of this variant in disease. Therefore, it has been classified as a Variant of Uncertain Significance.

Literature cited by the submitters: PubMed 17576681; PubMed 9536098.

NM_022041.4(GAN):c.167+5_167+6del

Genes: GAN (gigaxonin; plus strand), LOC130059498 (ATAC-STARR-seq lymphoblastoid silent region 7753; plus strand). Cytogenetic location: 16q23.2.
Variant type: Deletion.
Coding change: c.167+5_167+6del on transcript NM_022041.4 (MANE Select); bases 5 to 6 of the intron after coding-DNA position 167, 2 bases deleted (GG; older notation c.167+5_167+6delGG).
Molecular consequence: intron variant.
Genome position (GRCh38, 1-based): chr16:81,315,285-81,315,286, GG deleted; deleting any 2 consecutive bases within chr16:81,315,283-81,315,286 gives the same sequence; the c. name uses the placement nearest the transcript's 3' end. VCF-style (leftmost placement, unchanged base first): chr16-81315282-TGG-T. GRCh37 (hg19) VCF-style: chr16-81348887-TGG-T.
Other names: c.-358+5_-358+6del (NM_001377486.1).
Identifiers: ClinVar variation 2882917 (VCV002882917.3), dbSNP rs1908992451, ClinGen allele CA496698747.